The following is an entry in ClinVar:

ClinVar aggregate classification (germline): Uncertain significance (1 of 4 stars; one submission).

Conditions:
Hereditary cancer-predisposing syndrome. Also called: Neoplastic Syndromes, Hereditary; Tumor predisposition; Hereditary Cancer Syndrome; Hereditary neoplastic syndrome. Identifiers: Orphanet 140162, MedGen C0027672, MeSH D009386, MONDO:0015356.

Submission:

Ambry Genetics
Classification: Uncertain significance for Hereditary cancer-predisposing syndrome. Last evaluated: 2026-04-18. Review status: criteria provided, single submitter. Criteria: Ambry Variant Classification Scheme 2023. Collection method: clinical testing. Allele origin: germline.
Comment: The p.P1054A variant (also known as c.3160C>G), located in coding exon 21 of the ATM gene, results from a C to G substitution at nucleotide position 3160. The proline at codon 1054 is replaced by alanine, an amino acid with highly similar properties. This amino acid position is conserved. In addition, this alteration is predicted to be deleterious by in silico analysis. Based on the available evidence, the clinical significance of this variant remains unclear.

NM_000051.4(ATM):c.3160C>G (p.Pro1054Ala)

Gene: ATM (ATM serine/threonine kinase; plus strand). Cytogenetic location: 11q22.3.
Variant type: single nucleotide variant.
Coding change: c.3160C>G on transcript NM_000051.4 (MANE Select); coding-DNA position 3160, C replaced by G.
Protein change: p.Pro1054Ala; replaces proline 1054 with alanine.
Molecular consequence: missense variant.
Genome position (GRCh38, 1-based): chr11:108,272,728, C>G. VCF-style: chr11-108272728-C-G. GRCh37 (hg19) VCF-style: chr11-108143455-C-G.
Other names: c.3160C>G, p.Pro1054Ala (NM_001351834.2); short protein forms P1054A.
Identifiers: ClinVar variation 4866362 (VCV004866362.1).